The following is an entry in ClinVar:

ClinVar aggregate classification (germline): Likely pathogenic (1 of 4 stars; one submission).

Conditions:
Duchenne muscular dystrophy (DMD). Also called: MUSCULAR DYSTROPHY, PSEUDOHYPERTROPHIC PROGRESSIVE, DUCHENNE TYPE; Duchenne Muscular Dystrophy (DMD). Identifiers: Orphanet 98896, MedGen C0013264, MONDO:0010679, OMIM 310200.

Submission:

Labcorp Genetics (formerly Invitae), Labcorp
Classification: Likely pathogenic for Duchenne muscular dystrophy. Last evaluated: 2022-11-29. Review status: criteria provided, single submitter. Criteria: Invitae Variant Classification Sherloc (09022015). Collection method: clinical testing. Allele origin: germline.
Comment: In summary, the currently available evidence indicates that the variant is pathogenic, but additional data are needed to prove that conclusively. Therefore, this variant has been classified as Likely Pathogenic. Algorithms developed to predict the effect of sequence changes on RNA splicing suggest that this variant may disrupt the consensus splice site. This variant has not been reported in the literature in individuals affected with DMD-related conditions. This variant is not present in population databases (gnomAD no frequency). This variant results in the deletion of part of exon 8 (c.799_831+12del) of the DMD gene. It is expected to disrupt RNA splicing. Variants that disrupt the donor or acceptor splice site typically lead to a loss of protein function (PMID: 16199547), and loss-of-function variants in DMD are known to be pathogenic (PMID: 16770791, 25007885).

Literature cited by the submitters: PubMed 16199547; PubMed 16770791; PubMed 25007885.

NM_004006.3(DMD):c.799_831+12del

Gene: DMD (dystrophin; minus strand). Cytogenetic location: Xp21.1.
Variant type: Deletion.
Coding change: c.799_831+12del on transcript NM_004006.3 (MANE Select); coding-DNA position 799 through 12 bases into the intron after coding-DNA position 831, 45 bases deleted.
Molecular consequence: splice donor variant.
Genome position (GRCh38, 1-based): chrX:32,699,100-32,699,144, 45 bases deleted. GRCh37 (hg19): chrX:32,717,217-32,717,261.
Other names: c.775_807+12del (NM_000109.4); c.787_819+12del (NM_004009.3); c.430_462+12del (NM_004010.3).
Identifiers: ClinVar variation 2813166 (VCV002813166.3), dbSNP rs2521179205, ClinGen allele CA2739273349.
Genomic context (GRCh38, chrX:32,699,099, plus strand): 5'-GTGCACGTAATACCTAAAAATGCATATAAAACAGAAAACATCTTGAATAGTAGCTGTCCT[TTACACACTTTACCTGTTGAGAATAGTGCATTTGATGATGTAACTG>T]AAAATGTTCTTCTTTAGTCACTTTAGGTGGCCTTGGCAACATTTCCACTTCCTGGATGGC-3'